The following is an entry in ClinVar:

NM_000492.4(CFTR):c.1767-9A>G

Gene: CFTR (CF transmembrane conductance regulator; plus strand). Cytogenetic location: 7q31.2.
Variant type: single nucleotide variant.
Coding change: c.1767-9A>G on transcript NM_000492.4 (MANE Select); 9 bases into the intron before coding-DNA position 1767, A replaced by G.
Molecular consequence: intron variant.
Genome position (GRCh38, 1-based): chr7:117,591,925, A>G. VCF-style: chr7-117591925-A-G. GRCh37 (hg19) VCF-style: chr7-117231979-A-G.
Other names: c.1767-9A>G (NM_000492.3).
Identifiers: ClinVar variation 995655 (VCV000995655.18), dbSNP rs1223678085, ClinGen allele CA577680759.

ClinVar aggregate classification (germline): Likely benign. Review status: criteria provided, multiple submitters, no conflicts (2 of 4 stars). 3 submissions from 3 submitters: Likely benign (3). Last evaluated 2024-10-25.

Conditions:
Cystic fibrosis (CF). Also called: MUCOVISCIDOSIS. Identifiers: Orphanet 586, MedGen C0010674, MONDO:0009061, OMIM 219700. Disease mechanism: loss of function.
CFTR-related disorder (CFTR-RD). Also called: CFTR-related disorders; CFTR-related condition. Identifiers: MedGen C5924204, MONDO:7770004.

Allele frequency attached by ClinVar (database versions not stated): gnomAD exomes below 0.00001.
gnomAD v4.1: 2 of 1,532,922 alleles (0.00013%); highest among the groups gnomAD compares: Admixed American, 0.002%; no homozygotes.

Submissions (3):

PreventionGenetics, part of Exact Sciences
Classification: Likely benign for CFTR-related condition. Last evaluated: 2024-10-25. Review status: criteria provided, single submitter. Criteria: ACMG Guidelines, 2015. Collection method: clinical testing. Allele origin: germline.
Comment: This variant is classified as likely benign based on ACMG/AMP sequence variant interpretation guidelines (Richards et al. 2015 PMID: 25741868, with internal and published modifications).

Labcorp Genetics (formerly Invitae), Labcorp
Classification: Likely benign for Cystic fibrosis. Last evaluated: 2023-05-08. Review status: criteria provided, single submitter. Criteria: Invitae Variant Classification Sherloc (09022015). Collection method: clinical testing. Allele origin: germline.

ARUP Laboratories, Molecular Genetics and Genomics, ARUP Laboratories
Classification: Likely benign. Last evaluated: 2019-08-15. Review status: criteria provided, single submitter. Criteria: ARUP Molecular Germline Variant Investigation Process. Collection method: clinical testing. Allele origin: germline.